The following is an entry in ClinVar:

NM_024915.4(GRHL2):c.-23G>C

Gene: GRHL2 (grainyhead like transcription factor 2; plus strand). Cytogenetic location: 8q22.3.
Variant type: single nucleotide variant.
Coding change: c.-23G>C on transcript NM_024915.4 (MANE Select); 23 bases upstream of the start codon, G replaced by C.
Molecular consequence: 5 prime UTR variant.
Genome position (GRCh38, 1-based): chr8:101,492,747, G>C. VCF-style: chr8-101492747-G-C. GRCh37 (hg19) VCF-style: chr8-102504975-G-C.
Other names: c.-131G>C (NM_001330593.2).
Identifiers: ClinVar variation 515261 (VCV000515261.1), dbSNP rs1306822032, ClinGen allele CA584015914.

ClinVar aggregate classification (germline): Likely benign (1 of 4 stars; one submission).

Allele frequency attached by ClinVar (database versions not stated): gnomAD exomes below 0.00001.
gnomAD v4.1: 4 of 1,612,878 alleles (0.00025%); highest among the groups gnomAD compares: Non-Finnish European, 0.00034%; no homozygotes.

Submission:

GeneDx
Classification: Likely benign. Last evaluated: 2018-02-16. Review status: criteria provided, single submitter. Criteria: GeneDx Variant Classification (06012015). Collection method: clinical testing. Allele origin: germline. Affected: yes.
Comment: This variant is considered likely benign or benign based on one or more of the following criteria: it is a conservative change, it occurs at a poorly conserved position in the protein, it is predicted to be benign by multiple in silico algorithms, and/or has population frequency not consistent with disease.